The following is an entry in ClinVar:

ClinVar aggregate classification (germline): Uncertain significance (1 of 4 stars; one submission).

gnomAD v4.1: 3 of 1,560,072 alleles (0.00019%); highest among the groups gnomAD compares: Non-Finnish European, 0.00026%; no homozygotes.

Submission:

GeneDx
Classification: Uncertain significance. Last evaluated: 2025-05-29. Review status: criteria provided, single submitter. Criteria: GeneDx Variant Classification Process June 2021. Collection method: clinical testing. Allele origin: germline. Affected: yes.
Comment: Not observed at significant frequency in large population cohorts (gnomAD); In silico analysis supports that this missense variant has a deleterious effect on protein structure/function; Has not been previously published as pathogenic or benign to our knowledge

NM_012199.5(AGO1):c.668A>G (p.Tyr223Cys)

Gene: AGO1 (argonaute RISC component 1; plus strand). Cytogenetic location: 1p34.3.
Variant type: single nucleotide variant.
Coding change: c.668A>G on transcript NM_012199.5 (MANE Select); coding-DNA position 668, A replaced by G.
Protein change: p.Tyr223Cys; replaces tyrosine 223 with cysteine.
Molecular consequence: missense variant.
Genome position (GRCh38, 1-based): chr1:35,894,055, A>G. VCF-style: chr1-35894055-A-G. GRCh37 (hg19) VCF-style: chr1-36359656-A-G.
Other names: c.668A>G, p.Tyr223Cys (NM_001317122.2); c.443A>G, p.Tyr148Cys (NM_001317123.2); short protein forms Y148C, Y223C.
Identifiers: ClinVar variation 4532724 (VCV004532724.1).